The following is an entry in ClinVar:

ClinVar aggregate classification (germline): Uncertain significance (1 of 4 stars; one submission).

Allele frequency attached by ClinVar (database versions not stated): TOPMed below 0.00001; ExAC 0.00001; gnomAD exomes 0.00001.

Submission:

Labcorp Genetics (formerly Invitae), Labcorp
Classification: Uncertain significance. Last evaluated: 2022-04-06. Review status: criteria provided, single submitter. Criteria: Invitae Variant Classification Sherloc (09022015). Collection method: clinical testing. Allele origin: germline.
Comment: This sequence change replaces aspartic acid, which is acidic and polar, with tyrosine, which is neutral and polar, at codon 381 of the UNC45A protein (p.Asp381Tyr). This variant is present in population databases (rs767211125, gnomAD 0.004%). This variant has not been reported in the literature in individuals affected with UNC45A-related conditions. Algorithms developed to predict the effect of missense changes on protein structure and function are either unavailable or do not agree on the potential impact of this missense change (SIFT: "Not Available"; PolyPhen-2: "Probably Damaging"; Align-GVGD: "Not Available"). In summary, the available evidence is currently insufficient to determine the role of this variant in disease. Therefore, it has been classified as a Variant of Uncertain Significance.

NM_018671.5(UNC45A):c.1141G>T (p.Asp381Tyr)

Gene: UNC45A (unc-45 myosin chaperone A; plus strand). Cytogenetic location: 15q26.1.
Variant type: single nucleotide variant.
Coding change: c.1141G>T on transcript NM_018671.5 (MANE Select); coding-DNA position 1141, G replaced by T.
Protein change: p.Asp381Tyr; replaces aspartic acid 381 with tyrosine.
Molecular consequence: missense variant.
Genome position (GRCh38, 1-based): chr15:90,945,005, G>T. VCF-style: chr15-90945005-G-T. GRCh37 (hg19) VCF-style: chr15-91488235-G-T.
Other names: c.1096G>T, p.Asp366Tyr (NM_001039675.2, NM_001323621.2); c.1141G>T, p.Asp381Tyr (NM_001323619.1); c.706G>T, p.Asp236Tyr (NM_001323620.2); short protein forms D366Y, D381Y, D236Y.
Identifiers: ClinVar variation 1952752 (VCV001952752.2), dbSNP rs767211125, ClinGen allele CA7742794.
Genomic context (GRCh38, chr15:90,945,005, plus strand): 5'-CTCGCAGTGACCGCAAACAGCCGCATGAGCGCCTCTATTCTCCTCAGCAAGCTCTTTGAT[G>T]ACCTCAAGTGTGATGCGGAGAGGGAGAATTTCCACAGACTTTGTGAAAACTACATCAAGT-3'
Protein context (NP_061141.2, residues 371-391): ASILLSKLFD[Asp381Tyr]LKCDAERENF